The following is an entry in ClinVar:

NM_001042492.3(NF1):c.5077C>A (p.His1693Asn)

Gene: NF1 (neurofibromin 1; plus strand). Cytogenetic location: 17q11.2.
Variant type: single nucleotide variant.
Coding change: c.5077C>A on transcript NM_001042492.3 (MANE Select); coding-DNA position 5077, C replaced by A.
Protein change: p.His1693Asn; replaces histidine 1693 with asparagine.
Molecular consequence: missense variant.
Genome position (GRCh38, 1-based): chr17:31,326,061, C>A. VCF-style: chr17-31326061-C-A. GRCh37 (hg19) VCF-style: chr17-29653079-C-A.
Other names: c.5014C>A, p.His1672Asn (NM_000267.4); short protein forms H1672N, H1693N.
Identifiers: ClinVar variation 935401 (VCV000935401.6), dbSNP rs2069332893, ClinGen allele CA399007468.

ClinVar aggregate classification (germline): Uncertain significance (1 of 4 stars; one submission).

Conditions:
Neurofibromatosis, type 1 (NF1). Also called: Peripheral type neurofibromatosis; VON RECKLINGHAUSEN DISEASE; Neurofibromatosis, type I; NEUROFIBROMATOSIS, TYPE I, SOMATIC. Identifiers: Orphanet 636, MedGen C0027831, MONDO:0018975, OMIM 162200. Disease mechanism: loss of function.

Submission:

Labcorp Genetics (formerly Invitae), Labcorp
Classification: Uncertain significance for Neurofibromatosis, type 1. Last evaluated: 2022-07-25. Review status: criteria provided, single submitter. Criteria: Invitae Variant Classification Sherloc (09022015). Collection method: clinical testing. Allele origin: germline.
Comment: This sequence change replaces histidine, which is basic and polar, with asparagine, which is neutral and polar, at codon 1672 of the NF1 protein (p.His1672Asn). This variant is not present in population databases (gnomAD no frequency). This variant has not been reported in the literature in individuals affected with NF1-related conditions. ClinVar contains an entry for this variant (Variation ID: 935401). Advanced modeling of protein sequence and biophysical properties (such as structural, functional, and spatial information, amino acid conservation, physicochemical variation, residue mobility, and thermodynamic stability) performed at Invitae indicates that this missense variant is not expected to disrupt NF1 protein function. In summary, the available evidence is currently insufficient to determine the role of this variant in disease. Therefore, it has been classified as a Variant of Uncertain Significance.